The following is an entry in ClinVar:

NM_000059.4(BRCA2):c.4649_4650del (p.Glu1550fs)

Gene: BRCA2 (BRCA2 DNA repair associated; plus strand). Cytogenetic location: 13q13.1.
Variant type: Microsatellite.
Coding change: c.4649_4650del on transcript NM_000059.4 (MANE Select); coding-DNA positions 4649 to 4650, 2 bases deleted (AG; older notation c.4649_4650delAG).
Protein change: p.Glu1550fs; shifts the reading frame from glutamic acid 1550.
Molecular consequence: frameshift variant.
Genome position (GRCh38, 1-based): chr13:32,339,004-32,339,005, AG deleted; deleting any 2 consecutive bases within chr13:32,339,002-32,339,005 gives the same sequence; the c. name uses the placement nearest the transcript's 3' end. VCF-style (leftmost placement, unchanged base first): chr13-32339001-AAG-A. GRCh37 (hg19) VCF-style: chr13-32913138-AAG-A.
Other names: short protein forms E1550fs.
Identifiers: ClinVar variation 825069 (VCV000825069.22), dbSNP rs1593903006, ClinGen allele CA915948468.

ClinVar aggregate classification (germline): Pathogenic. Review status: criteria provided, single submitter (1 of 4 stars). 2 submissions from 2 submitters: Pathogenic (1). 1 of the submissions does not count toward it. Last evaluated 2018-12-13.

Conditions:
Hereditary cancer-predisposing syndrome. Also called: Neoplastic Syndromes, Hereditary; Tumor predisposition; Hereditary Cancer Syndrome; Hereditary neoplastic syndrome. Identifiers: Orphanet 140162, MedGen C0027672, MeSH D009386, MONDO:0015356.
Gastric cancer. Also called: Stomach cancer; Malignant tumor of stomach. Identifiers: MedGen C0024623, MeSH D013274, MONDO:0001056, OMIM 613659, HP:0012126.

Submissions (2):

Ambry Genetics
Classification: Pathogenic for Hereditary cancer-predisposing syndrome. Last evaluated: 2018-12-13. Review status: criteria provided, single submitter. Criteria: Ambry Variant Classification Scheme 2023. Collection method: clinical testing. Allele origin: germline.
Comment: The c.4649_4650delAG pathogenic mutation, located in coding exon 10 of the BRCA2 gene, results from a deletion of two nucleotides at nucleotide positions 4649 to 4650, causing a translational frameshift with a predicted alternate stop codon (p.E1550Afs*4). This alteration is expected to result in loss of function by premature protein truncation or nonsense-mediated mRNA decay. As such, this alteration is interpreted as a disease-causing mutation.

Laboratory for Genotyping Development, RIKEN
Classification: Pathogenic for Gastric cancer. Last evaluated: 2021-07-01. Review status: no assertion criteria provided. Collection method: research. Allele origin: germline. Not counted in ClinVar's aggregate classification.

Literature cited by the submitters: PubMed 36988593 (cited by Laboratory for Genotyping Development, RIKEN).